The following is an entry in ClinVar:

ClinVar aggregate classification (germline): Conflicting classifications of pathogenicity. Review status: criteria provided, conflicting classifications (1 of 4 stars). 12 submissions from 12 submitters: Pathogenic (1); Likely pathogenic (1); Uncertain significance (8). 2 of the submissions do not count toward it. Last evaluated 2026-07-07.

Conditions:
DNAI1-related disorder. Also called: DNAI1-related condition.
Primary ciliary dyskinesia. Also called: Ciliary dyskinesia. Identifiers: Orphanet 244, MedGen C0008780, MONDO:0016575, HP:0012265.
Kartagener syndrome (CILD1). Also called: IMMOTILE CILIA SYNDROME; CILIARY DYSKINESIA, PRIMARY, 1; POLYNESIAN BRONCHIECTASIS; SIEWERT SYNDROME; CILIARY DYSKINESIA, PRIMARY, 1, WITH OR WITHOUT SITUS INVERSUS; Dextrocardia bronchiectasis and sinusitis. Identifiers: Orphanet 244, MedGen C4551906, MONDO:0009484, OMIM 244400.

Allele frequency attached by ClinVar (database versions not stated): ESP Exome Variant Server 0.00023; 1000 Genomes Project 30x 0.00031; ExAC 0.00038; 1000 Genomes Project 0.00040; gnomAD exomes 0.00041 and 0.00085; gnomAD 0.00053; TOPMed 0.00059.
gnomAD v4.1: 1,332 of 1,613,832 alleles (0.083%); highest among the groups gnomAD compares: Non-Finnish European, 0.1%; no homozygotes.

Submissions (12):

Myriad Genetics, Inc.
Classification: Uncertain significance for Kartagener syndrome. Last evaluated: 2026-07-07. Review status: criteria provided, single submitter. Criteria: Myriad Autosomal Dominant, Autosomal Recessive and X-Linked Classification Criteria (2023). Collection method: clinical testing. Allele origin: unknown.
Comment: NM_012144.2(DNAI1):c.370C>T(R124C) is a missense variant classified as a variant of uncertain significance in the context of primary ciliary dyskinesia, DNAI1-related. R124C has been observed in cases with relevant disease (PMID: 36809189, 34277212). Relevant functional assessments of this variant are not available in the literature. R124C has been observed in referenced population frequency databases. In summary, there is insufficient evidence to classify NM_012144.2(DNAI1):c.370C>T(R124C) as pathogenic or benign. Please note: this variant was assessed in the context of healthy population screening.

PreventionGenetics, part of Exact Sciences
Classification: Uncertain significance for DNAI1-related condition. Last evaluated: 2026-03-24. Review status: criteria provided, single submitter. Criteria: ACMG Guidelines, 2015. Collection method: clinical testing. Allele origin: germline.
Comment: The DNAI1 c.370C>T variant is predicted to result in the amino acid substitution p.Arg124Cys. This variant has been reported in individuals with primary ciliary dyskinesia, along with c.48+2dup in an individual where no clinical details were provided and in another patient where the zygosity was unknown (Gómez et al. 2023. PubMed ID: 36809189; De Jesús-Rojas et al. 2022. PubMed ID: 35626283). It has been reported heterozygous in an individual with bronchiolitis obliterans who also carried a variant of uncertain significance in DNAH1 ( Caballero-Colón et al. 2021. PubMed ID: 34277212). This variant is reported in 0.065% of alleles in individuals of European (Non-Finnish) descent in gnomAD. At this time, the clinical significance of this variant is uncertain due to the absence of conclusive functional and genetic evidence.

Labcorp Genetics (formerly Invitae), Labcorp
Classification: Pathogenic for Primary ciliary dyskinesia. Last evaluated: 2026-01-27. Review status: criteria provided, single submitter. Criteria: Invitae Variant Classification Sherloc (09022015). Collection method: clinical testing. Allele origin: germline.
Comment: This sequence change replaces arginine, which is basic and polar, with cysteine, which is neutral and slightly polar, at codon 124 of the DNAI1 protein (p.Arg124Cys). This variant is present in population databases (rs116938457, gnomAD 0.06%). This missense change has been observed in individual(s) with primary ciliary dyskinesia (internal data). In at least one individual the data is consistent with being in trans (on the opposite chromosome) from a pathogenic variant. It has also been observed to segregate with disease in related individuals. ClinVar contains an entry for this variant (Variation ID: 197793). Invitae Evidence Modeling of protein sequence and biophysical properties (such as structural, functional, and spatial information, amino acid conservation, physicochemical variation, residue mobility, and thermodynamic stability) has been performed for this missense variant. However, the output from this modeling did not meet the statistical confidence thresholds required to predict the impact of this variant on DNAI1 protein function. For these reasons, this variant has been classified as Pathogenic.

First Genomix Gene Laboratory, Genetic Diagnostics Department
Classification: Likely pathogenic for Kartagener syndrome. Last evaluated: 2026-01-02. Review status: criteria provided, single submitter. Criteria: ACMG Guidelines, 2015. Collection method: clinical testing. Allele origin: germline. Inheritance: Autosomal recessive inheritance. Affected: no. Observed: 1 variant allele.

GeneDx
Classification: Uncertain significance. Last evaluated: 2025-01-25. Review status: criteria provided, single submitter. Criteria: GeneDx Variant Classification Process June 2021. Collection method: clinical testing. Allele origin: germline. Affected: yes.
Comment: In silico analysis supports that this missense variant has a deleterious effect on protein structure/function; This variant is associated with the following publications: (PMID: 35626283, 34277212, 36809189)

Mayo Clinic Laboratories, Mayo Clinic
Classification: Uncertain significance. Last evaluated: 2024-09-05. Review status: criteria provided, single submitter. Criteria: ACMG Guidelines, 2015. Collection method: clinical testing. Allele origin: germline. Observed: 2 variant alleles.
Comment: PP1, PM3_supporting, PS4_moderate

Blueprint Genetics
Classification: Uncertain significance. Last evaluated: 2024-07-12. Review status: criteria provided, single submitter. Criteria: ACMG Guidelines, 2015. Collection method: clinical testing. Allele origin: germline.

Ambry Genetics
Classification: Uncertain significance for Primary ciliary dyskinesia. Last evaluated: 2023-12-13. Review status: criteria provided, single submitter. Criteria: Ambry Variant Classification Scheme 2023. Collection method: clinical testing. Allele origin: germline.
Comment: The p.R124C variant (also known as c.370C>T), located in coding exon 5 of the DNAI1 gene, results from a C to T substitution at nucleotide position 370. The arginine at codon 124 is replaced by cysteine, an amino acid with highly dissimilar properties. This amino acid position is well conserved in available vertebrate species. In addition, the in silico prediction for this alteration is inconclusive. Since supporting evidence is limited at this time, the clinical significance of this alteration remains unclear.

Illumina Laboratory Services, Illumina
Classification: Uncertain significance for Kartagener syndrome. Last evaluated: 2018-01-12. Review status: criteria provided, single submitter. Criteria: ICSL Variant Classification Criteria 13 December 2019. Collection method: clinical testing. Allele origin: germline.

Eurofins Ntd Llc (ga)
Classification: Uncertain significance. Last evaluated: 2014-09-05. Review status: criteria provided, single submitter. Criteria: EGL Classification Definitions 2015. Collection method: clinical testing. Allele origin: germline. Observed: 1 variant allele, 1 heterozygote.

Diagnostic Laboratory, Department of Genetics, University Medical Center Groningen
Classification: Uncertain significance. Review status: no assertion criteria provided. Collection method: clinical testing. Allele origin: germline. Affected: yes. Study: VKGL Data-share Consensus. Not counted in ClinVar's aggregate classification.

Laboratory of Diagnostic Genome Analysis, Leiden University Medical Center (LUMC)
Classification: Uncertain significance. Review status: no assertion criteria provided. Collection method: clinical testing. Allele origin: germline. Affected: yes. Study: VKGL Data-share Consensus. Not counted in ClinVar's aggregate classification.

Literature cited by the submitters: PubMed 34277212 (cited by Myriad Genetics, Inc. and Mayo Clinic Laboratories, Mayo Clinic); PubMed 36809189 (cited by Myriad Genetics, Inc. and Mayo Clinic Laboratories, Mayo Clinic); PubMed 35626283 (cited by Mayo Clinic Laboratories, Mayo Clinic).

NM_012144.4(DNAI1):c.370C>T (p.Arg124Cys)

Gene: DNAI1 (dynein axonemal intermediate chain 1; plus strand). Cytogenetic location: 9p13.3.
Variant type: single nucleotide variant.
Coding change: c.370C>T on transcript NM_012144.4 (MANE Select); coding-DNA position 370, C replaced by T.
Protein change: p.Arg124Cys; replaces arginine 124 with cysteine.
Molecular consequence: missense variant.
Genome position (GRCh38, 1-based): chr9:34,489,431, C>T. VCF-style: chr9-34489431-C-T. GRCh37 (hg19) VCF-style: chr9-34489429-C-T.
Other names: p.Arg124Cys; c.370C>T, p.Arg124Cys (NM_001281428.2); short protein forms R124C.
Identifiers: ClinVar variation 197793 (VCV000197793.29), dbSNP rs116938457, ClinGen allele CA246122.
Genomic context (GRCh38, chr9:34,489,431, plus strand): 5'-TACACCCAGGTTGGGAACCTGATCCCCAAAGACTCAGATGAAGGACGGCGGCAGCATTAC[C>T]GCGATGAATTAGTGGCAGGTAGGACTCTGGGCCATCCTGAAGCTACAGCCCTGAGCCTGT-3'
Protein context (NP_036276.1, residues 114-134): DSDEGRRQHY[Arg124Cys]DELVAGSQES